The following is an entry in ClinVar:

NM_144585.4(SLC22A12):c.789G>C (p.Leu263=)

Gene: SLC22A12 (solute carrier family 22 member 12; plus strand). Cytogenetic location: 11q13.1.
Variant type: single nucleotide variant.
Coding change: c.789G>C on transcript NM_144585.4 (MANE Select); coding-DNA position 789, G replaced by C.
Protein change: p.Leu263=; no amino-acid change (leucine 263 retained).
Molecular consequence: synonymous variant. On other transcripts: intron variant (1).
Genome position (GRCh38, 1-based): chr11:64,593,762, G>C. VCF-style: chr11-64593762-G-C. GRCh37 (hg19) VCF-style: chr11-64361234-G-C.
Other names: c.687G>C, p.Leu229= (NM_001276326.2); c.126G>C, p.Leu42= (NM_153378.3); c.506+880G>C (NM_001276327.2); c.789G>C (NM_144585.3).
Identifiers: ClinVar variation 1907112 (VCV001907112.6), dbSNP rs1241704561, ClinGen allele CA474955653.

ClinVar aggregate classification (germline): Likely benign. Review status: criteria provided, multiple submitters, no conflicts (2 of 4 stars). 2 submissions from 2 submitters: Likely benign (2). Last evaluated 2026-06-18.

Conditions:
SLC22A12-related disorder. Also called: SLC22A12-related condition.

Allele frequency attached by ClinVar (database versions not stated): gnomAD exomes 0.00001.
gnomAD v4.1: 20 of 1,611,832 alleles (0.0012%); highest among the groups gnomAD compares: Non-Finnish European, 0.0016%; no homozygotes.

Submissions (2):

PreventionGenetics, part of Exact Sciences
Classification: Likely benign for SLC22A12-related condition. Last evaluated: 2026-06-18. Review status: criteria provided, single submitter. Criteria: ACMG Guidelines, 2015. Collection method: clinical testing. Allele origin: germline.
Comment: This variant is classified as likely benign based on ACMG/AMP sequence variant interpretation guidelines (Richards et al. 2015 PMID: 25741868, with internal and published modifications).

Labcorp Genetics (formerly Invitae), Labcorp
Classification: Likely benign. Last evaluated: 2023-09-10. Review status: criteria provided, single submitter. Criteria: Invitae Variant Classification Sherloc (09022015). Collection method: clinical testing. Allele origin: germline.